The following is an entry in ClinVar:

NM_000531.6(OTC):c.77+5G>C

Gene: OTC (ornithine transcarbamylase; plus strand). Cytogenetic location: Xp11.4.
Variant type: single nucleotide variant.
Coding change: c.77+5G>C on transcript NM_000531.6 (MANE Select); 5 bases into the intron after coding-DNA position 77, G replaced by C.
Molecular consequence: intron variant.
Genome position (GRCh38, 1-based): chrX:38,352,778, G>C. VCF-style: chrX-38352778-G-C. GRCh37 (hg19) VCF-style: chrX-38212031-G-C.
Identifiers: ClinVar variation 870325 (VCV000870325.10), dbSNP rs72552302, ClinGen allele CA916083890.

ClinVar aggregate classification (germline): Likely pathogenic. Review status: criteria provided, single submitter (1 of 4 stars). 2 submissions from 2 submitters: Likely pathogenic (1). 1 of the submissions does not count toward it. Last evaluated 2021-06-01.

Conditions:
Ornithine carbamoyltransferase deficiency (OTCD). Also called: OTC DEFICIENCY; Ornithine Carbamoyltransferase Deficiency Disease; ORNITHINE TRANSCARBAMYLASE DEFICIENCY; ORNITHINE TRANSCARBAMYLASE DEFICIENCY, HYPERAMMONEMIA DUE TO. Identifiers: Orphanet 664, MedGen C0268542, MONDO:0010703, OMIM 311250.

Submissions (2):

Labcorp Genetics (formerly Invitae), Labcorp
Classification: Likely pathogenic for Ornithine carbamoyltransferase deficiency. Last evaluated: 2021-06-01. Review status: criteria provided, single submitter. Criteria: Invitae Variant Classification Sherloc (09022015). Collection method: clinical testing. Allele origin: germline.
Comment: In summary, the currently available evidence indicates that the variant is pathogenic, but additional data are needed to prove that conclusively. Therefore, this variant has been classified as Likely Pathogenic. Nucleotide substitutions within the consensus splice site are a relatively common cause of aberrant splicing (PMID: 17576681, 9536098). Algorithms developed to predict the effect of sequence changes on RNA splicing suggest that this variant may disrupt the consensus splice site, but this prediction has not been confirmed by published transcriptional studies. This variant has been observed in individual(s) with clinical features of X-linked ornithine transcarbamylase deficiency (external communication, Invitae). In at least one individual the variant was observed to be de novo. ClinVar contains an entry for this variant (Variation ID: 870325). This variant is not present in population databases (ExAC no frequency). This sequence change falls in intron 1 of the OTC gene. It does not directly change the encoded amino acid sequence of the OTC protein. It affects a nucleotide within the consensus splice site of the intron.

Molecular Genetics laboratory, Necker Hospital
Classification: Pathogenic for Ornithine carbamoyltransferase deficiency. Review status: no assertion criteria provided. Collection method: clinical testing. Allele origin: de novo. Inheritance: X-linked inheritance. Affected: yes. Not counted in ClinVar's aggregate classification.

Literature cited by the submitters: PubMed 17576681 (cited by Labcorp Genetics (formerly Invitae), Labcorp); PubMed 9536098 (cited by Labcorp Genetics (formerly Invitae), Labcorp).